The following is an entry in ClinVar:

ClinVar aggregate classification (germline): Conflicting classifications of pathogenicity. Review status: criteria provided, conflicting classifications (1 of 4 stars). 4 submissions from 4 submitters: Uncertain significance (3); Likely benign (1). Last evaluated 2025-12-16.

Conditions:
Cardiovascular phenotype. Identifiers: MedGen CN230736.
Cardiomyopathy (CMYO). Also called: Cardiomyopathies. Identifiers: Orphanet 167848, MedGen C0878544, MONDO:0004994, HP:0001638. Inheritance: Various modes of inheritance.
Arrhythmogenic cardiomyopathy with wooly hair and keratoderma. Also called: PALMOPLANTAR KERATODERMA WITH LEFT VENTRICULAR CARDIOMYOPATHY AND WOOLLY HAIR; Carvajal syndrome; Dilated cardiomyopathy with woolly hair and keratoderma; Arrhythmogenic cardiomyopathy with woolly hair and keratoderma. Identifiers: Orphanet 65282, MedGen C1854063, MONDO:0011581, OMIM 605676.
Arrhythmogenic right ventricular dysplasia 8 (ARVD8). Also called: Arrhythmogenic Right Ventricular Dysplasia/Cardiomyopathy 8; ARRHYTHMOGENIC RIGHT VENTRICULAR DYSPLASIA, FAMILIAL, 8; ARRHYTHMOGENIC RIGHT VENTRICULAR CARDIOMYOPATHY 8. Identifiers: MedGen C1843896, MONDO:0011831, OMIM 607450.

Allele frequency attached by ClinVar (database versions not stated): TOPMed below 0.00001; ExAC 0.00001; gnomAD exomes 0.00001; ESP Exome Variant Server 0.00008.
gnomAD v4.1: 11 of 1,613,974 alleles (0.00068%); highest among the groups gnomAD compares: Non-Finnish European, 0.00093%; no homozygotes.

Submissions (4):

Labcorp Genetics (formerly Invitae), Labcorp
Classification: Likely benign for Arrhythmogenic cardiomyopathy with wooly hair and keratoderma; Arrhythmogenic right ventricular dysplasia 8. Last evaluated: 2025-12-16. Review status: criteria provided, single submitter. Criteria: Invitae Variant Classification Sherloc (09022015). Collection method: clinical testing. Allele origin: germline.

Color Diagnostics, LLC DBA Color Health
Classification: Uncertain significance for Cardiomyopathy. Last evaluated: 2025-06-23. Review status: criteria provided, single submitter. Criteria: ACMG Guidelines, 2015. Collection method: clinical testing. Allele origin: germline.
Comment: This missense variant replaces tyrosine with aspartic acid at codon 1871 of the DSP protein. Computational prediction suggests that this variant may not impact protein structure and function. To our knowledge, functional studies have not been reported for this variant. This variant has not been reported in individuals affected with DSP-related disorders in the literature. This variant has been identified in 3/251454 chromosomes in the general population by the Genome Aggregation Database (gnomAD). The available evidence is insufficient to determine the role of this variant in disease conclusively. Therefore, this variant is classified as a Variant of Uncertain Significance.

GeneDx
Classification: Uncertain significance. Last evaluated: 2024-12-11. Review status: criteria provided, single submitter. Criteria: GeneDx Variant Classification Process June 2021. Collection method: clinical testing. Allele origin: germline. Affected: yes.
Comment: Not observed at significant frequency in large population cohorts (gnomAD); In silico analysis supports that this missense variant has a deleterious effect on protein structure/function; Has not been previously published as pathogenic or benign to our knowledge

Ambry Genetics
Classification: Uncertain significance for Cardiovascular phenotype. Last evaluated: 2021-06-14. Review status: criteria provided, single submitter. Criteria: Ambry Variant Classification Scheme 2023. Collection method: clinical testing. Allele origin: germline.
Comment: The p.Y1871D variant (also known as c.5611T>G), located in coding exon 24 of the DSP gene, results from a T to G substitution at nucleotide position 5611. The tyrosine at codon 1871 is replaced by aspartic acid, an amino acid with highly dissimilar properties. This amino acid position is conserved. In addition, this alteration is predicted to be tolerated by in silico analysis. Since supporting evidence is limited at this time, the clinical significance of this alteration remains unclear.

NM_004415.4(DSP):c.5611T>G (p.Tyr1871Asp)

Gene: DSP (desmoplakin; plus strand). Cytogenetic location: 6p24.3.
Variant type: single nucleotide variant.
Coding change: c.5611T>G on transcript NM_004415.4 (MANE Select); coding-DNA position 5611, T replaced by G.
Protein change: p.Tyr1871Asp; replaces tyrosine 1871 with aspartic acid.
Molecular consequence: missense variant.
Genome position (GRCh38, 1-based): chr6:7,582,873, T>G. VCF-style: chr6-7582873-T-G. GRCh37 (hg19) VCF-style: chr6-7583106-T-G.
Other names: c.3814T>G, p.Tyr1272Asp (NM_001008844.3); c.4282T>G, p.Tyr1428Asp (NM_001319034.2); short protein forms Y1428D, Y1272D, Y1871D.
Identifiers: ClinVar variation 1500153 (VCV001500153.12), dbSNP rs374844169, ClinGen allele CA045361.
Genomic context (GRCh38, chr6:7,582,873, plus strand): 5'-CAGCGCCTGGAGTGTGAGAAACAGCAAATTCAGAATGACCTGAATCAGTGGAAGACTCAA[T>G]ATTCCCGCAAGGAGGAGGCTATTAGGAAGATAGAATCGGAAAGAGAAAAGAGTGAGAGAG-3'
Protein context (NP_004406.2, residues 1861-1881): QNDLNQWKTQ[Tyr1871Asp]SRKEEAIRKI